The following is an entry in ClinVar:

ClinVar aggregate classification (germline): Uncertain significance. Review status: criteria provided, multiple submitters, no conflicts (2 of 4 stars). 3 submissions from 3 submitters: Uncertain significance (3). Last evaluated 2024-11-07.

Allele frequency attached by ClinVar (database versions not stated): gnomAD exomes 0.00001.
gnomAD v4.1: 15 of 1,561,922 alleles (0.00096%); highest among the groups gnomAD compares: Non-Finnish European, 0.0013%; no homozygotes.

Submissions (3):

Labcorp Genetics (formerly Invitae), Labcorp
Classification: Uncertain significance. Last evaluated: 2024-11-07. Review status: criteria provided, single submitter. Criteria: Invitae Variant Classification Sherloc (09022015). Collection method: clinical testing. Allele origin: germline.
Comment: This sequence change replaces lysine, which is basic and polar, with glutamic acid, which is acidic and polar, at codon 228 of the PRDM13 protein (p.Lys228Glu). This variant is not present in population databases (gnomAD no frequency). This variant has not been reported in the literature in individuals affected with PRDM13-related conditions. ClinVar contains an entry for this variant (Variation ID: 2656782). An algorithm developed to predict the effect of missense changes on protein structure and function (PolyPhen-2) suggests that this variant is likely to be tolerated. In summary, the available evidence is currently insufficient to determine the role of this variant in disease. Therefore, it has been classified as a Variant of Uncertain Significance.

CeGaT Center for Human Genetics Tuebingen
Classification: Uncertain significance. Last evaluated: 2023-08-01. Review status: criteria provided, single submitter. Criteria: CeGaT Center For Human Genetics Tuebingen Variant Classification Criteria Version 2. Collection method: clinical testing. Allele origin: germline. Affected: yes. Observed: 1 variant allele.
Comment: PRDM13: PM2

Blueprint Genetics
Classification: Uncertain significance. Last evaluated: 2023-07-24. Review status: criteria provided, single submitter. Criteria: ACMG Guidelines, 2015. Collection method: clinical testing. Allele origin: germline.

NM_021620.4(PRDM13):c.682A>G (p.Lys228Glu)

Gene: PRDM13 (PR/SET domain 13; plus strand). Cytogenetic location: 6q16.2.
Variant type: single nucleotide variant.
Coding change: c.682A>G on transcript NM_021620.4 (MANE Select); coding-DNA position 682, A replaced by G.
Protein change: p.Lys228Glu; replaces lysine 228 with glutamic acid.
Molecular consequence: missense variant.
Genome position (GRCh38, 1-based): chr6:99,613,317, A>G. VCF-style: chr6-99613317-A-G. GRCh37 (hg19) VCF-style: chr6-100061193-A-G.
Other names: short protein forms K228E.
Identifiers: ClinVar variation 2656782 (VCV002656782.27), dbSNP rs2538544916, ClinGen allele CA365115915.